The following is an entry in ClinVar:

ClinVar aggregate classification (germline): Uncertain significance (1 of 4 stars; one submission).

Conditions:
Werner syndrome (WRN). Identifiers: Orphanet 902, MedGen C0043119, MONDO:0010196, OMIM 277700.

Allele frequency attached by ClinVar (database versions not stated): gnomAD exomes 0.00001.
gnomAD v4.1: 3 of 1,614,030 alleles (0.00019%); highest among the groups gnomAD compares: Non-Finnish European, 0.00025%; no homozygotes.

Submission:

Labcorp Genetics (formerly Invitae), Labcorp
Classification: Uncertain significance for Werner syndrome. Last evaluated: 2019-10-18. Review status: criteria provided, single submitter. Criteria: Invitae Variant Classification Sherloc (09022015). Collection method: clinical testing. Allele origin: germline.
Comment: This sequence change replaces tyrosine with histidine at codon 794 of the WRN protein (p.Tyr794His). The tyrosine residue is highly conserved and there is a moderate physicochemical difference between tyrosine and histidine. This variant is not present in population databases (ExAC no frequency). This variant has not been reported in the literature in individuals with WRN-related conditions. Algorithms developed to predict the effect of missense changes on protein structure and function (SIFT, PolyPhen-2, Align-GVGD) all suggest that this variant is likely to be disruptive, but these predictions have not been confirmed by published functional studies and their clinical significance is uncertain. In summary, the available evidence is currently insufficient to determine the role of this variant in disease. Therefore, it has been classified as a Variant of Uncertain Significance.

NM_000553.6(WRN):c.2380T>C (p.Tyr794His)

Gene: WRN (WRN RecQ like helicase; plus strand). Cytogenetic location: 8p12.
Variant type: single nucleotide variant.
Coding change: c.2380T>C on transcript NM_000553.6 (MANE Select); coding-DNA position 2380, T replaced by C.
Protein change: p.Tyr794His; replaces tyrosine 794 with histidine.
Molecular consequence: missense variant.
Genome position (GRCh38, 1-based): chr8:31,116,460, T>C. VCF-style: chr8-31116460-T-C. GRCh37 (hg19) VCF-style: chr8-30973976-T-C.
Other names: short protein forms Y794H.
Identifiers: ClinVar variation 941780 (VCV000941780.5), dbSNP rs1354121013, ClinGen allele CA370913717.